The following is an entry in ClinVar:

ClinVar aggregate classification (germline): Uncertain significance. Review status: criteria provided, multiple submitters, no conflicts (2 of 4 stars). 2 submissions from 2 submitters: Uncertain significance (2). Last evaluated 2025-11-24.

Conditions:
Epilepsy, childhood absence, susceptibility to, 5. Identifiers: Orphanet 64280, MedGen C2677087, MONDO:0012843, OMIM 612269.
Epilepsy, childhood absence, susceptibility to, 1. Also called: Epilepsy, childhood absence 1. Identifiers: Orphanet 64280, MedGen C1838604, MONDO:0020759, OMIM 600131.

Allele frequency attached by ClinVar (database versions not stated): gnomAD exomes below 0.00001; TOPMed below 0.00001; gnomAD 0.00001.
gnomAD v4.1: 2 of 1,613,998 alleles (0.00012%); highest among the groups gnomAD compares: Admixed American, 0.0017%; no homozygotes.

Submissions (2):

Labcorp Genetics (formerly Invitae), Labcorp
Classification: Uncertain significance for Epilepsy, childhood absence, susceptibility to, 5; Epilepsy, childhood absence, susceptibility to, 1. Last evaluated: 2025-11-24. Review status: criteria provided, single submitter. Criteria: Invitae Variant Classification Sherloc (09022015). Collection method: clinical testing. Allele origin: germline.
Comment: This sequence change replaces arginine, which is basic and polar, with cysteine, which is neutral and slightly polar, at codon 217 of the GABRB3 protein (p.Arg217Cys). This variant is not present in population databases (gnomAD no frequency). This variant has not been reported in the literature in individuals affected with GABRB3-related conditions. ClinVar contains an entry for this variant (Variation ID: 1006590). Invitae Evidence Modeling of protein sequence and biophysical properties (such as structural, functional, and spatial information, amino acid conservation, physicochemical variation, residue mobility, and thermodynamic stability) has been performed for this missense variant. However, the output from this modeling did not meet the statistical confidence thresholds required to predict the impact of this variant on GABRB3 protein function. In summary, the available evidence is currently insufficient to determine the role of this variant in disease. Therefore, it has been classified as a Variant of Uncertain Significance.

GeneDx
Classification: Uncertain significance. Last evaluated: 2023-12-13. Review status: criteria provided, single submitter. Criteria: GeneDx Variant Classification Process June 2021. Collection method: clinical testing. Allele origin: germline. Affected: yes.
Comment: Identified in a patient with seizures in published literature (PMID: 33854792); In silico analysis supports that this missense variant has a deleterious effect on protein structure/function; Not observed at significant frequency in large population cohorts (gnomAD); This variant is associated with the following publications: (PMID: 33854792)

NM_000814.6(GABRB3):c.649C>T (p.Arg217Cys)

Gene: GABRB3 (gamma-aminobutyric acid type A receptor subunit beta3; minus strand). Cytogenetic location: 15q12.
Variant type: single nucleotide variant.
Coding change: c.649C>T on transcript NM_000814.6 (MANE Select); coding-DNA position 649, C replaced by T.
Protein change: p.Arg217Cys; replaces arginine 217 with cysteine.
Molecular consequence: missense variant.
Genome position (GRCh38, 1-based): chr15:26,580,352, G>A on the plus strand (C>T on the coding strand, the complement: GABRB3 is on the minus strand). VCF-style: chr15-26580352-G-A. GRCh37 (hg19) VCF-style: chr15-26825499-G-A.
Other names: c.394C>T, p.Arg132Cys (NM_001191320.2, NM_001278631.2); c.436C>T, p.Arg146Cys (NM_001191321.3); c.649C>T, p.Arg217Cys (NM_021912.5); short protein forms R132C, R146C, R217C.
Identifiers: ClinVar variation 1006590 (VCV001006590.11), dbSNP rs1301259280, ClinGen allele CA391463951.